The following is an entry in ClinVar:

NM_015978.3(TNNI3K):c.1316C>A (p.Thr439Lys)

Genes: FPGT-TNNI3K (FPGT-TNNI3K readthrough; plus strand), TNNI3K (TNNI3 interacting kinase; plus strand). Cytogenetic location: 1p31.1.
Variant type: single nucleotide variant.
Coding change: c.1316C>A on transcript NM_015978.3 (MANE Select); coding-DNA position 1316, C replaced by A.
Protein change: p.Thr439Lys; replaces threonine 439 with lysine.
Molecular consequence: missense variant.
Genome position (GRCh38, 1-based): chr1:74,367,959, C>A. VCF-style: chr1-74367959-C-A. GRCh37 (hg19) VCF-style: chr1-74833643-C-A.
Other names: c.1619C>A, p.Thr540Lys (NM_001112808.3, NM_001199327.2); short protein forms T439K, T540K.
Identifiers: ClinVar variation 1471130 (VCV001471130.9), dbSNP rs923388289, ClinGen allele CA24543638.

ClinVar aggregate classification (germline): Uncertain significance. Review status: criteria provided, multiple submitters, no conflicts (2 of 4 stars). 2 submissions from 2 submitters: Uncertain significance (2). Last evaluated 2025-09-26.

Allele frequency attached by ClinVar (database versions not stated): TOPMed below 0.00001; gnomAD 0.00001; gnomAD exomes 0.00001.
gnomAD v4.1: 16 of 1,562,726 alleles (0.001%); highest among the groups gnomAD compares: Non-Finnish European, 0.0014%; no homozygotes.

Submissions (2):

GeneDx
Classification: Uncertain significance. Last evaluated: 2025-09-26. Review status: criteria provided, single submitter. Criteria: GeneDx Variant Classification Process June 2021. Collection method: clinical testing. Allele origin: germline. Affected: yes.
Comment: Not observed at significant frequency in large population cohorts (gnomAD); In silico analysis supports that this missense variant has a deleterious effect on protein structure/function; Has not been previously published as pathogenic or benign to our knowledge

Labcorp Genetics (formerly Invitae), Labcorp
Classification: Uncertain significance. Last evaluated: 2024-11-08. Review status: criteria provided, single submitter. Criteria: Invitae Variant Classification Sherloc (09022015). Collection method: clinical testing. Allele origin: germline.
Comment: This sequence change replaces threonine, which is neutral and polar, with lysine, which is basic and polar, at codon 439 of the TNNI3K protein (p.Thr439Lys). This variant is not present in population databases (gnomAD no frequency). This variant has not been reported in the literature in individuals affected with TNNI3K-related conditions. ClinVar contains an entry for this variant (Variation ID: 1471130). Invitae Evidence Modeling of protein sequence and biophysical properties (such as structural, functional, and spatial information, amino acid conservation, physicochemical variation, residue mobility, and thermodynamic stability) indicates that this missense variant is not expected to disrupt TNNI3K protein function with a negative predictive value of 80%. In summary, the available evidence is currently insufficient to determine the role of this variant in disease. Therefore, it has been classified as a Variant of Uncertain Significance.